The following is an entry in ClinVar:

NM_001042472.3(ABHD12):c.18G>A (p.Glu6=)

Genes: ABHD12 (abhydrolase domain containing 12, lysophospholipase; minus strand), LOC130065586 (ATAC-STARR-seq lymphoblastoid silent region 12752; plus strand). Cytogenetic location: 20p11.21.
Variant type: single nucleotide variant.
Coding change: c.18G>A on transcript NM_001042472.3 (MANE Select); coding-DNA position 18, G replaced by A.
Protein change: p.Glu6=; no amino-acid change (glutamic acid 6 retained).
Molecular consequence: synonymous variant.
Genome position (GRCh38, 1-based): chr20:25,390,686, C>T on the plus strand (G>A on the coding strand, the complement: ABHD12 is on the minus strand). VCF-style: chr20-25390686-C-T. GRCh37 (hg19) VCF-style: chr20-25371322-C-T.
Other names: c.18G>A, p.Glu6= (NM_015600.5).
Identifiers: ClinVar variation 1701420 (VCV001701420.32), dbSNP rs2090164574, ClinGen allele CA509882953.

ClinVar aggregate classification (germline): Likely benign. Review status: criteria provided, multiple submitters, no conflicts (2 of 4 stars). 2 submissions from 2 submitters: Likely benign (2). Last evaluated 2022-07-01.

Allele frequency attached by ClinVar (database versions not stated): gnomAD exomes below 0.00001; TOPMed 0.00001.
gnomAD v4.1: 2 of 1,414,708 alleles (0.00014%); highest among the groups gnomAD compares: Non-Finnish European, 0.00018%; no homozygotes.

Submissions (2):

CeGaT Center for Human Genetics Tuebingen
Classification: Likely benign. Last evaluated: 2022-07-01. Review status: criteria provided, single submitter. Criteria: CeGaT Center For Human Genetics Tuebingen Variant Classification Criteria Version 2. Collection method: clinical testing. Allele origin: germline. Affected: yes. Observed: 1 variant allele.
Comment: ABHD12: PM2:Supporting, BP4, BP7

Blueprint Genetics
Classification: Likely benign. Last evaluated: 2019-10-22. Review status: criteria provided, single submitter. Criteria: ACMG Guidelines, 2015. Collection method: clinical testing. Allele origin: germline.